The following is an entry in ClinVar:

NM_001084.5(PLOD3):c.2157C>A (p.His719Gln)

Gene: PLOD3 (procollagen-lysine,2-oxoglutarate 5-dioxygenase 3; minus strand). Cytogenetic location: 7q22.1.
Variant type: single nucleotide variant.
Coding change: c.2157C>A on transcript NM_001084.5 (MANE Select); coding-DNA position 2157, C replaced by A.
Protein change: p.His719Gln; replaces histidine 719 with glutamine.
Molecular consequence: missense variant.
Genome position (GRCh38, 1-based): chr7:101,206,341, G>T on the plus strand (C>A on the coding strand, the complement: PLOD3 is on the minus strand). VCF-style: chr7-101206341-G-T. GRCh37 (hg19) VCF-style: chr7-100849622-G-T.
Other names: c.2157C>A (NM_001084.4); short protein forms H719Q.
Identifiers: ClinVar variation 2833272 (VCV002833272.4), dbSNP rs199791212, ClinGen allele CA368607401.

ClinVar aggregate classification (germline): Uncertain significance. Review status: criteria provided, multiple submitters, no conflicts (2 of 4 stars). 2 submissions from 2 submitters: Uncertain significance (2). Last evaluated 2025-11-26.

Conditions:
Inborn genetic diseases. Identifiers: MedGen C0950123, MeSH D030342.

Submissions (2):

Ambry Genetics
Classification: Uncertain significance for Inborn genetic diseases. Last evaluated: 2025-11-26. Review status: criteria provided, single submitter. Criteria: Ambry Variant Classification Scheme 2023. Collection method: clinical testing. Allele origin: germline.

Labcorp Genetics (formerly Invitae), Labcorp
Classification: Uncertain significance. Last evaluated: 2023-01-31. Review status: criteria provided, single submitter. Criteria: Invitae Variant Classification Sherloc (09022015). Collection method: clinical testing. Allele origin: germline.
Comment: Advanced modeling of protein sequence and biophysical properties (such as structural, functional, and spatial information, amino acid conservation, physicochemical variation, residue mobility, and thermodynamic stability) performed at Invitae indicates that this missense variant is expected to disrupt PLOD3 protein function. In summary, the available evidence is currently insufficient to determine the role of this variant in disease. Therefore, it has been classified as a Variant of Uncertain Significance. This variant has not been reported in the literature in individuals affected with PLOD3-related conditions. This variant is not present in population databases (gnomAD no frequency). This sequence change replaces histidine, which is basic and polar, with glutamine, which is neutral and polar, at codon 719 of the PLOD3 protein (p.His719Gln).